The following is an entry in ClinVar:

NM_198576.4(AGRN):c.5638G>A (p.Ala1880Thr)

Gene: AGRN (agrin; plus strand). Cytogenetic location: 1p36.33.
Variant type: single nucleotide variant.
Coding change: c.5638G>A on transcript NM_198576.4 (MANE Select); coding-DNA position 5638, G replaced by A.
Protein change: p.Ala1880Thr; replaces alanine 1880 with threonine.
Molecular consequence: missense variant.
Genome position (GRCh38, 1-based): chr1:1,051,802, G>A. VCF-style: chr1-1051802-G-A. GRCh37 (hg19) VCF-style: chr1-987182-G-A.
Other names: c.5650G>A, p.Ala1884Thr (NM_001305275.2); c.5335G>A, p.Ala1779Thr (NM_001364727.2); short protein forms A1884T, A1880T, A1779T.
Identifiers: ClinVar variation 1913087 (VCV001913087.2), dbSNP rs748433532, ClinGen allele CA510116.

ClinVar aggregate classification (germline): Uncertain significance (1 of 4 stars; one submission).

Conditions:
Congenital myasthenic syndrome 8. Also called: Myasthenic syndrome, congenital, 8, with pre- and postsynaptic defects; MYASTHENIC SYNDROME, CONGENITAL, DUE TO AGRIN DEFICIENCY. Identifiers: Orphanet 590, MedGen C3808739, MONDO:0014052, OMIM 615120.

gnomAD v4.1: 21 of 1,613,716 alleles (0.0013%); highest among the groups gnomAD compares: East Asian, 0.036%; no homozygotes.

Submission:

Labcorp Genetics (formerly Invitae), Labcorp
Classification: Uncertain significance for Congenital myasthenic syndrome 8. Last evaluated: 2022-06-02. Review status: criteria provided, single submitter. Criteria: Invitae Variant Classification Sherloc (09022015). Collection method: clinical testing. Allele origin: germline.
Comment: This sequence change replaces alanine, which is neutral and non-polar, with threonine, which is neutral and polar, at codon 1880 of the AGRN protein (p.Ala1880Thr). This variant is present in population databases (rs748433532, gnomAD 0.03%). This variant has not been reported in the literature in individuals affected with AGRN-related conditions. Algorithms developed to predict the effect of missense changes on protein structure and function are either unavailable or do not agree on the potential impact of this missense change (SIFT: "Deleterious"; PolyPhen-2: "Benign"; Align-GVGD: "Class C0"). In summary, the available evidence is currently insufficient to determine the role of this variant in disease. Therefore, it has been classified as a Variant of Uncertain Significance.